The following is an entry in ClinVar:

ClinVar aggregate classification (germline): Uncertain significance (1 of 4 stars; one submission).

Allele frequency attached by ClinVar (database versions not stated): TOPMed below 0.00001; ExAC 0.00001.

Submission:

Labcorp Genetics (formerly Invitae), Labcorp
Classification: Uncertain significance. Last evaluated: 2022-07-23. Review status: criteria provided, single submitter. Criteria: Invitae Variant Classification Sherloc (09022015). Collection method: clinical testing. Allele origin: germline.
Comment: In summary, the available evidence is currently insufficient to determine the role of this variant in disease. Therefore, it has been classified as a Variant of Uncertain Significance. Algorithms developed to predict the effect of sequence changes on RNA splicing suggest that this variant may disrupt the consensus splice site. This variant has not been reported in the literature in individuals affected with CLTC-related conditions. This variant is present in population databases (rs747267038, gnomAD 0.0009%). This sequence change affects codon 87 of the CLTC mRNA. It is a 'silent' change, meaning that it does not change the encoded amino acid sequence of the CLTC protein. It affects a nucleotide within the consensus splice site.

NM_004859.4(CLTC):c.250+11A>G

Gene: CLTC (clathrin heavy chain; plus strand). Cytogenetic location: 17q23.1.
Variant type: single nucleotide variant.
Coding change: c.250+11A>G on transcript NM_004859.4 (MANE Select); 11 bases into the intron after coding-DNA position 250, A replaced by G.
Molecular consequence: intron variant. On other transcripts: synonymous variant (1).
Genome position (GRCh38, 1-based): chr17:59,644,494, A>G. VCF-style: chr17-59644494-A-G. GRCh37 (hg19) VCF-style: chr17-57721855-A-G.
Other names: c.261A>G, p.Glu87= (NM_001288653.2).
Identifiers: ClinVar variation 1919540 (VCV001919540.5), dbSNP rs747267038, ClinGen allele CA8681002.
Genomic context (GRCh38, chr17:59,644,494, plus strand): 5'-AGCAGACAGCGCCATCATGAATCCAGCTAGCAAAGTAATTGCACTGAAAGGTATAAAAGA[A>G]TGTGGGTTTTCCTTAAAACTCTTCCTATGTTTTTGTTTTTTTTTGTTTTTTTTTTGTTTG-3'